The following is an entry in ClinVar:

NM_001367479.1(DNAH14):c.6749-15T>C

Gene: DNAH14 (dynein axonemal heavy chain 14; plus strand). Cytogenetic location: 1q42.12.
Variant type: single nucleotide variant.
Coding change: c.6749-15T>C on transcript NM_001367479.1 (MANE Select); 15 bases into the intron before coding-DNA position 6749, T replaced by C.
Molecular consequence: intron variant.
Genome position (GRCh38, 1-based): chr1:225,252,286, T>C. VCF-style: chr1-225252286-T-C. GRCh37 (hg19) VCF-style: chr1-225439988-T-C.
Identifiers: ClinVar variation 402652 (VCV000402652.5), dbSNP rs630120, ClinGen allele CA1416260.

ClinVar aggregate classification (germline): Benign. Review status: criteria provided, multiple submitters, no conflicts (2 of 4 stars). 2 submissions from 2 submitters: Benign (2). Last evaluated 2016-03-28.

Allele frequency attached by ClinVar (database versions not stated): gnomAD exomes 0.32395; ExAC 0.32520; ESP Exome Variant Server 0.34735; gnomAD 0.36548 and 0.36764; TOPMed 0.39537; 1000 Genomes Project 0.48502; 1000 Genomes Project 30x 0.48844.
gnomAD v4.1: 379,859 of 1,401,128 alleles (27%); highest among the groups gnomAD compares: African/African-American, 62%; 61,470 homozygotes.

Submissions (2):

Laboratory for Molecular Medicine, Mass General Brigham Personalized Medicine
Classification: Benign. Last evaluated: 2016-03-28. Review status: criteria provided, single submitter. Criteria: LMM Criteria. Collection method: clinical testing. Allele origin: germline.
Comment: Variant identified in a genome or exome case(s) and assessed due to predicted null impact of the variant or pathogenic assertions in the literature or databases. Disclaimer: This variant has not undergone full assessment. The following are preliminary notes: Frequency

Breakthrough Genomics
Classification: Benign. Review status: criteria provided, single submitter. Criteria: ACMG Guidelines, 2015. Collection method: not provided. Allele origin: germline. Inheritance: Unknown mechanism. Affected: yes.